The following is an entry in ClinVar:

NM_001103.4(ACTN2):c.43G>T (p.Asp15Tyr)

Gene: ACTN2 (actinin alpha 2; plus strand). Cytogenetic location: 1q43.
Variant type: single nucleotide variant.
Coding change: c.43G>T on transcript NM_001103.4 (MANE Select); coding-DNA position 43, G replaced by T.
Protein change: p.Asp15Tyr; replaces aspartic acid 15 with tyrosine.
Molecular consequence: missense variant. On other transcripts: non-coding transcript variant (1).
Genome position (GRCh38, 1-based): chr1:236,686,716, G>T. VCF-style: chr1-236686716-G-T. GRCh37 (hg19) VCF-style: chr1-236850016-G-T.
Other names: c.43G>T, p.Asp15Tyr (NM_001278343.2); short protein forms D15Y.
Identifiers: ClinVar variation 4789274 (VCV004789274.1).

ClinVar aggregate classification (germline): Uncertain significance (1 of 4 stars; one submission).

Conditions:
Dilated cardiomyopathy 1AA (CMD1AA). Also called: CARDIOMYOPATHY, DILATED, 1AA, WITH OR WITHOUT LEFT VENTRICULAR NONCOMPACTION; CARDIOMYOPATHY, FAMILIAL HYPERTROPHIC, 23, WITH OR WITHOUT LEFT VENTRICULAR NONCOMPACTION; Cardiomyopathy, dilated, 1AA, with or without LVNC. Identifiers: Orphanet 154, MedGen C2677338, MONDO:0012808, OMIM 612158.
Primary familial hypertrophic cardiomyopathy (HCM). Identifiers: Orphanet 99739, MedGen C0949658, MeSH D024741, MONDO:0024573. Inheritance: Various modes of inheritance.

Submission:

Labcorp Genetics (formerly Invitae), Labcorp
Classification: Uncertain significance for Primary familial hypertrophic cardiomyopathy; Dilated cardiomyopathy 1AA. Last evaluated: 2025-11-05. Review status: criteria provided, single submitter. Criteria: Invitae Variant Classification Sherloc (09022015). Collection method: clinical testing. Allele origin: germline.
Comment: This sequence change replaces aspartic acid, which is acidic and polar, with tyrosine, which is neutral and polar, at codon 15 of the ACTN2 protein (p.Asp15Tyr). This variant is not present in population databases (gnomAD no frequency). This variant has not been reported in the literature in individuals affected with ACTN2-related conditions. Invitae Evidence Modeling of protein sequence and biophysical properties (such as structural, functional, and spatial information, amino acid conservation, physicochemical variation, residue mobility, and thermodynamic stability) indicates that this missense variant is not expected to disrupt ACTN2 protein function with a negative predictive value of 95%. In summary, the available evidence is currently insufficient to determine the role of this variant in disease. Therefore, it has been classified as a Variant of Uncertain Significance.